The following is an entry in ClinVar:

NM_000540.3(RYR1):c.3538G>A (p.Glu1180Lys)

Gene: RYR1 (ryanodine receptor 1; plus strand). Cytogenetic location: 19q13.2.
Variant type: single nucleotide variant.
Coding change: c.3538G>A on transcript NM_000540.3 (MANE Select); coding-DNA position 3538, G replaced by A.
Protein change: p.Glu1180Lys; replaces glutamic acid 1180 with lysine.
Molecular consequence: missense variant.
Genome position (GRCh38, 1-based): chr19:38,469,122, G>A. VCF-style: chr19-38469122-G-A. GRCh37 (hg19) VCF-style: chr19-38959762-G-A.
Other names: c.3538G>A, p.Glu1180Lys (NM_001042723.2); short protein forms E1180K.
Identifiers: ClinVar variation 4757308 (VCV004757308.1).

ClinVar aggregate classification (germline): Uncertain significance (1 of 4 stars; one submission).

Conditions:
Malignant hyperthermia, susceptibility to, 1 (MHS1). Also called: RYR1-Related Malignant Hyperthermia Susceptibility; Malignant hyperthermia suceptibility 1; Anesthesia related hyperthermia; Malignant hyperpyrexia; Fulminating hyperpyrexia; Pharmacogenic myopathy. Identifiers: Orphanet 423, MedGen C2930980, MONDO:0007783, OMIM 145600.

gnomAD v4.1: 1 of 1,614,040 alleles (0.000062%); highest among the groups gnomAD compares: Non-Finnish European, 0.000085%; no homozygotes.

Submission:

Color Diagnostics, LLC DBA Color Health
Classification: Uncertain significance for Malignant hyperthermia, susceptibility to, 1. Last evaluated: 2025-06-23. Review status: criteria provided, single submitter. Criteria: ACMG Guidelines, 2015. Collection method: clinical testing. Allele origin: germline.
Comment: This missense variant replaces glutamic acid with lysine at codon 1180 of the RYR1 protein. Computational prediction suggests that this variant may not impact protein structure and function. To our knowledge, functional studies have not been reported for this variant. This variant has not been reported in individuals affected with RYR1-related disorders in the literature. This variant has not been identified in the general population by the Genome Aggregation Database (gnomAD). The available evidence is insufficient to determine the role of this variant in disease conclusively. Therefore, this variant is classified as a Variant of Uncertain Significance.